The following is an entry in ClinVar:

NM_001378452.1(ITPR1):c.762C>T (p.Asp254=)

Gene: ITPR1 (inositol 1,4,5-trisphosphate receptor type 1; plus strand). Cytogenetic location: 3p26.1.
Variant type: single nucleotide variant.
Coding change: c.762C>T on transcript NM_001378452.1 (MANE Select); coding-DNA position 762, C replaced by T.
Protein change: p.Asp254=; no amino-acid change (aspartic acid 254 retained).
Molecular consequence: synonymous variant.
Genome position (GRCh38, 1-based): chr3:4,645,635, C>T. VCF-style: chr3-4645635-C-T. GRCh37 (hg19) VCF-style: chr3-4687319-C-T.
Other names: c.762C>T (NM_002222.5); c.762C>T, p.Asp254= (NM_001099952.4, NM_001168272.2, NM_002222.7).
Identifiers: ClinVar variation 2184879 (VCV002184879.6), dbSNP rs748876529, ClinGen allele CA2230955.

ClinVar aggregate classification (germline): Likely benign. Review status: criteria provided, single submitter (1 of 4 stars). 2 submissions from 2 submitters: Likely benign (1). 1 of the submissions does not count toward it. Last evaluated 2025-05-05.

Conditions:
ITPR1-related disorder. Also called: ITPR1-related condition.

Allele frequency attached by ClinVar (database versions not stated): ExAC 0.00002; gnomAD exomes 0.00002; TOPMed 0.00002; gnomAD 0.00003.
gnomAD v4.1: 37 of 1,613,110 alleles (0.0023%); highest among the groups gnomAD compares: East Asian, 0.0045%; no homozygotes.

Submissions (2):

Labcorp Genetics (formerly Invitae), Labcorp
Classification: Likely benign. Last evaluated: 2025-05-05. Review status: criteria provided, single submitter. Criteria: Invitae Variant Classification Sherloc (09022015). Collection method: clinical testing. Allele origin: germline.

PreventionGenetics, part of Exact Sciences
Classification: Likely benign for ITPR1-related condition. Last evaluated: 2021-11-18. Review status: no assertion criteria provided. Collection method: clinical testing. Allele origin: germline. Not counted in ClinVar's aggregate classification.
Comment: This variant is classified as likely benign based on ACMG/AMP sequence variant interpretation guidelines (Richards et al. 2015 PMID: 25741868, with internal and published modifications).